The following is an entry in ClinVar:

NM_198428.3(BBS9):c.1329+5T>C

Gene: BBS9 (Bardet-Biedl syndrome 9; plus strand). Cytogenetic location: 7p14.3.
Variant type: single nucleotide variant.
Coding change: c.1329+5T>C on transcript NM_198428.3 (MANE Select); 5 bases into the intron after coding-DNA position 1329, T replaced by C.
Molecular consequence: intron variant.
Genome position (GRCh38, 1-based): chr7:33,344,639, T>C. VCF-style: chr7-33344639-T-C. GRCh37 (hg19) VCF-style: chr7-33384251-T-C.
Other names: c.1329+5T>C (NM_001348036.1, NM_001362679.1, NM_001348041.4 and 5 more transcripts); c.1056+5T>C (NM_001348038.3, NM_001348039.3); c.963+5T>C (NM_001348037.3, NM_001348045.3, NM_001348046.3 and 1 more transcripts); c.1194+5T>C (NM_001348042.3).
Identifiers: ClinVar variation 908131 (VCV000908131.10), dbSNP rs200033003, ClinGen allele CA4214257.
Genomic context (GRCh38, chr7:33,344,639, plus strand): 5'-AGCAAGCGACCGATGTTGAGGTGGGAACTGACCTTGTCCCTTCTGTCACGGTGAAGGTAT[T>C]GTACCAGATTTTAGACTGTAATGTGCAAACAATATGATTTATTTCATTACATCTGTCACT-3'

ClinVar aggregate classification (germline): Uncertain significance. Review status: criteria provided, multiple submitters, no conflicts (2 of 4 stars). 5 submissions from 5 submitters: Uncertain significance (4). 1 of the submissions does not count toward it. Last evaluated 2025-09-05.

Conditions:
Bardet-Biedl syndrome (BBS). Identifiers: Orphanet 110, MedGen C0752166, MONDO:0015229.
BBS9-related disorder. Also called: BBS9-related condition.
Bardet-Biedl syndrome 9 (BBS9). Identifiers: Orphanet 110, MedGen C1859567, MONDO:0014437, OMIM 615986.

Allele frequency attached by ClinVar (database versions not stated): TOPMed below 0.00001; gnomAD 0.00001; ExAC 0.00002; gnomAD exomes 0.00002 and 0.00003; ESP Exome Variant Server 0.00008.
gnomAD v4.1: 49 of 1,613,502 alleles (0.003%); highest among the groups gnomAD compares: Non-Finnish European, 0.0037%; no homozygotes.

Submissions (5):

Women's Health and Genetics/Laboratory Corporation of America, LabCorp
Classification: Uncertain significance. Last evaluated: 2025-09-05. Review status: criteria provided, single submitter. Criteria: LabCorp Variant Classification Summary - May 2015. Collection method: clinical testing. Allele origin: germline.

Fulgent Genetics
Classification: Uncertain significance for Bardet-Biedl syndrome 9. Last evaluated: 2024-03-24. Review status: criteria provided, single submitter. Criteria: ACMG Guidelines, 2015. Collection method: clinical testing. Allele origin: germline.

Labcorp Genetics (formerly Invitae), Labcorp
Classification: Uncertain significance for Bardet-Biedl syndrome. Last evaluated: 2022-07-12. Review status: criteria provided, single submitter. Criteria: Invitae Variant Classification Sherloc (09022015). Collection method: clinical testing. Allele origin: germline.
Comment: This sequence change falls in intron 12 of the BBS9 gene. It does not directly change the encoded amino acid sequence of the BBS9 protein. It affects a nucleotide within the consensus splice site. This variant is present in population databases (rs200033003, gnomAD 0.004%). This variant has not been reported in the literature in individuals affected with BBS9-related conditions. ClinVar contains an entry for this variant (Variation ID: 908131). Variants that disrupt the consensus splice site are a relatively common cause of aberrant splicing (PMID: 17576681, 9536098). Algorithms developed to predict the effect of sequence changes on RNA splicing suggest that this variant is not likely to affect RNA splicing. In summary, the available evidence is currently insufficient to determine the role of this variant in disease. Therefore, it has been classified as a Variant of Uncertain Significance.

Illumina Laboratory Services, Illumina
Classification: Uncertain significance for Bardet-Biedl syndrome 9. Last evaluated: 2018-01-13. Review status: criteria provided, single submitter. Criteria: ICSL Variant Classification Criteria 13 December 2019. Collection method: clinical testing. Allele origin: germline.

PreventionGenetics, part of Exact Sciences
Classification: Likely benign for BBS9-related condition. Last evaluated: 2019-05-08. Review status: no assertion criteria provided. Collection method: clinical testing. Allele origin: germline. Not counted in ClinVar's aggregate classification.
Comment: This variant is classified as likely benign based on ACMG/AMP sequence variant interpretation guidelines (Richards et al. 2015 PMID: 25741868, with internal and published modifications).

Literature cited by the submitters: PubMed 17576681 (cited by Labcorp Genetics (formerly Invitae), Labcorp); PubMed 9536098 (cited by Labcorp Genetics (formerly Invitae), Labcorp).